The following is an entry in ClinVar:

NM_000222.3(KIT):c.2074T>C (p.Ser692Pro)

Gene: KIT (KIT proto-oncogene, receptor tyrosine kinase; plus strand). Cytogenetic location: 4q12.
Variant type: single nucleotide variant.
Coding change: c.2074T>C on transcript NM_000222.3 (MANE Select); coding-DNA position 2074, T replaced by C.
Protein change: p.Ser692Pro; replaces serine 692 with proline.
Molecular consequence: missense variant.
Genome position (GRCh38, 1-based): chr4:54,729,418, T>C. VCF-style: chr4-54729418-T-C. GRCh37 (hg19) VCF-style: chr4-55595584-T-C.
Other names: c.2062T>C, p.Ser688Pro (NM_001093772.2, NM_001385286.1); c.2077T>C, p.Ser693Pro (NM_001385284.1, NM_001385290.1); c.2074T>C, p.Ser692Pro (NM_001385285.1); c.2065T>C, p.Ser689Pro (NM_001385288.1, NM_001385292.1); short protein forms S688P, S689P, S692P, S693P.
Identifiers: ClinVar variation 1785444 (VCV001785444.2), dbSNP rs2109786512, ClinGen allele CA356909632.

ClinVar aggregate classification (germline): Uncertain significance (1 of 4 stars; one submission).

Conditions:
Hereditary cancer-predisposing syndrome. Also called: Neoplastic Syndromes, Hereditary; Tumor predisposition; Hereditary Cancer Syndrome; Hereditary neoplastic syndrome. Identifiers: Orphanet 140162, MedGen C0027672, MeSH D009386, MONDO:0015356.

Submission:

Ambry Genetics
Classification: Uncertain significance for Hereditary cancer-predisposing syndrome. Last evaluated: 2022-08-16. Review status: criteria provided, single submitter. Criteria: Ambry Variant Classification Scheme 2023. Collection method: clinical testing. Allele origin: germline.
Comment: The p.S692P variant (also known as c.2074T>C), located in coding exon 14 of the KIT gene, results from a T to C substitution at nucleotide position 2074. The serine at codon 692 is replaced by proline, an amino acid with similar properties. This amino acid position is conserved. In addition, this alteration is predicted to be tolerated by in silico analysis. Since supporting evidence is limited at this time, the clinical significance of this alteration remains unclear.